The following is an entry in ClinVar:

NM_002878.4(RAD51D):c.667+9T>C

Genes: RAD51D (RAD51 paralog D; minus strand), RAD51L3-RFFL (RAD51L3-RFFL readthrough; minus strand). Cytogenetic location: 17q12.
Variant type: single nucleotide variant.
Coding change: c.667+9T>C on transcript NM_002878.4 (MANE Select); 9 bases into the intron after coding-DNA position 667, T replaced by C.
Molecular consequence: intron variant.
Genome position (GRCh38, 1-based): chr17:35,103,445, A>G on the plus strand (T>C on the coding strand, the complement: RAD51D is on the minus strand). VCF-style: chr17-35103445-A-G. GRCh37 (hg19) VCF-style: chr17-33430464-A-G.
Other names: c.331+9T>C (NM_133629.3); c.727+9T>C (NM_001142571.2).
Identifiers: ClinVar variation 472617 (VCV000472617.18), dbSNP rs772193051, ClinGen allele CA8499395.
Genomic context (GRCh38, chr17:35,103,445, plus strand): 5'-GAGACCAGACTCCAGAGCTGGGAGGCGAGGTCACATTCCACTGGCCCCAGGCTCTGCCAC[A>G]TCACTCACCTTCCCTCTGCTGACCTCCCAGAAGTGGGGAAACCACCGCAGTGACCGAGTC-3'

ClinVar aggregate classification (germline): Conflicting classifications of pathogenicity. Review status: criteria provided, conflicting classifications (1 of 4 stars). 7 submissions from 7 submitters: Uncertain significance (1); Likely benign (6). Last evaluated 2026-01-19.

Conditions:
Breast and/or ovarian cancer. Identifiers: MedGen CN221562.
Hereditary breast ovarian cancer syndrome. Also called: BRCA1- and BRCA2-Associated Hereditary Breast and Ovarian Cancer; Hereditary breast and ovarian cancer syndrome; Hereditary breast and/or ovarian cancer syndrome; Hereditary breast and ovarian cancer syndrome (HBOC); Hereditary breast and ovarian cancer; Breast and ovarian cancer. Identifiers: Orphanet 145, MedGen C0677776, MeSH D061325, MONDO:0003582. Disease mechanism: loss of function.
Hereditary cancer-predisposing syndrome. Also called: Hereditary neoplastic syndrome; Neoplastic Syndromes, Hereditary; Hereditary Cancer Syndrome; Tumor predisposition. Identifiers: Orphanet 140162, MedGen C0027672, MeSH D009386, MONDO:0015356.
Breast-ovarian cancer, familial, susceptibility to, 4. Identifiers: Orphanet 145, MedGen C3280345, MONDO:0013669, OMIM 614291.

Allele frequency attached by ClinVar (database versions not stated): ExAC 0.00001; gnomAD 0.00001; gnomAD exomes 0.00001 and 0.00002; TOPMed 0.00002.
gnomAD v4.1: 11 of 1,613,798 alleles (0.00068%); highest among the groups gnomAD compares: Middle Eastern, 0.016%; no homozygotes.

Submissions (7):

Labcorp Genetics (formerly Invitae), Labcorp
Classification: Likely benign for Breast-ovarian cancer, familial, susceptibility to, 4. Last evaluated: 2026-01-19. Review status: criteria provided, single submitter. Criteria: Invitae Variant Classification Sherloc (09022015). Collection method: clinical testing. Allele origin: germline.

Center for Genomic Medicine, Rigshospitalet, Copenhagen University Hospital
Classification: Likely benign. Last evaluated: 2025-12-29. Review status: criteria provided, single submitter. Criteria: ACMG Guidelines, 2015. Collection method: clinical testing. Allele origin: germline.

Myriad Genetics, Inc.
Classification: Likely benign for Breast-ovarian cancer, familial, susceptibility to, 4. Last evaluated: 2025-02-24. Review status: criteria provided, single submitter. Criteria: Myriad Autosomal Dominant, Autosomal Recessive and X-Linked Classification Criteria (2023). Collection method: clinical testing. Allele origin: unknown.
Comment: This variant is considered likely benign. This variant is intronic and is not expected to impact mRNA splicing.

Blueprint Genetics
Classification: Likely benign. Last evaluated: 2024-04-04. Review status: criteria provided, single submitter. Criteria: ACMG Guidelines, 2015. Collection method: clinical testing. Allele origin: germline.

Institute for Biomarker Research, Medical Diagnostic Laboratories, L.L.C.
Classification: Likely benign for Hereditary breast ovarian cancer syndrome. Last evaluated: 2023-09-05. Review status: criteria provided, single submitter. Criteria: ACMG Guidelines, 2015. Collection method: clinical testing. Allele origin: germline.

CHEO Genetics Diagnostic Laboratory, Children's Hospital of Eastern Ontario
Classification: Uncertain significance for Breast and/or ovarian cancer. Last evaluated: 2022-10-13. Review status: criteria provided, single submitter. Criteria: ACMG Guidelines, 2015. Collection method: clinical testing. Allele origin: germline.

Color Diagnostics, LLC DBA Color Health
Classification: Likely benign for Hereditary cancer-predisposing syndrome. Last evaluated: 2016-12-19. Review status: criteria provided, single submitter. Criteria: ACMG Guidelines, 2015. Collection method: clinical testing. Allele origin: germline.